The following is an entry in ClinVar:

ClinVar aggregate classification (germline): Pathogenic/Likely pathogenic. Review status: criteria provided, multiple submitters, no conflicts (2 of 4 stars). 2 submissions from 2 submitters: Pathogenic (1); Likely pathogenic (1). Last evaluated 2025-10-27.

Conditions:
Retinitis pigmentosa 25 (RP25). Identifiers: Orphanet 791, MedGen C1864446, MONDO:0011272, OMIM 602772.

Submissions (2):

Natera, Inc.
Classification: Likely pathogenic for Retinitis pigmentosa type 25. Last evaluated: 2025-10-27. Review status: criteria provided, single submitter. Criteria: Natera Variant Classification Schema (03/2026). Collection method: clinical testing. Allele origin: germline.
Comment: The c.8159_8162del variant in EYS is a frameshift variant predicted to shift the reading frame beginning at codon 2720 and leads to a stop codon 20 codons downstream. This variant is expected to result in nonsense mediated decay, truncation, or a dysfunctional protein product. This variant is rare in the general population with a frequency below the threshold expected for the associated phenotype(s). Given the available evidence, this variant is classified as Likely Pathogenic.

Labcorp Genetics (formerly Invitae), Labcorp
Classification: Pathogenic. Last evaluated: 2024-02-02. Review status: criteria provided, single submitter. Criteria: Invitae Variant Classification Sherloc (09022015). Collection method: clinical testing. Allele origin: germline.
Comment: This sequence change creates a premature translational stop signal (p.Ile2720Asnfs*20) in the EYS gene. While this is not anticipated to result in nonsense mediated decay, it is expected to disrupt the last 425 amino acid(s) of the EYS protein. This variant is not present in population databases (gnomAD no frequency). This variant has not been reported in the literature in individuals affected with EYS-related conditions. This variant disrupts a region of the EYS protein in which other variant(s) (p.Tyr3135*) have been determined to be pathogenic (PMID: 18976725, 29159838, 30337596, 31074760). This suggests that this is a clinically significant region of the protein, and that variants that disrupt it are likely to be disease-causing. For these reasons, this variant has been classified as Pathogenic.

Literature cited by the submitters: PubMed 18976725 (cited by Labcorp Genetics (formerly Invitae), Labcorp); PubMed 29159838 (cited by Labcorp Genetics (formerly Invitae), Labcorp); PubMed 30337596 (cited by Labcorp Genetics (formerly Invitae), Labcorp); PubMed 31074760 (cited by Labcorp Genetics (formerly Invitae), Labcorp).

NM_001142800.2(EYS):c.8159_8162del (p.Ile2720fs)

Gene: EYS (EGF-like photoreceptor maintenance factor; minus strand). Cytogenetic location: 6q12.
Variant type: Deletion.
Coding change: c.8159_8162del on transcript NM_001142800.2 (MANE Select); coding-DNA positions 8159 to 8162, 4 bases deleted (TTCA; older notation c.8159_8162delTTCA).
Protein change: p.Ile2720fs; shifts the reading frame from isoleucine 2720.
Molecular consequence: frameshift variant.
Genome position (GRCh38, 1-based): chr6:63,726,590-63,726,593, TGAA deleted on the plus strand (TTCA on the coding strand, the reverse complement: EYS is on the minus strand); deleting any 4 consecutive bases within chr6:63,726,590-63,726,594 gives the same sequence; the c. name uses the placement nearest the transcript's 3' end. VCF-style (leftmost placement, unchanged base first): chr6-63726589-TTGAA-T. GRCh37 (hg19) VCF-style: chr6-64436482-TTGAA-T.
Other names: c.8222_8225del, p.Ile2741fs (NM_001292009.2); c.8159_8162del (NM_001142800.1); short protein forms I2720fs, I2741fs.
Identifiers: ClinVar variation 3638221 (VCV003638221.3).